The following is an entry in ClinVar:

NM_001267550.2(TTN):c.68242_68243dup (p.Pro22749fs)

Genes: TTN (titin; minus strand), TTN-AS1 (TTN antisense RNA 1; plus strand), LOC126806423 (CDK7 strongly-dependent group 2 enhancer GRCh37_chr2:179443309-179444508; plus strand). Cytogenetic location: 2q31.2.
Variant type: Duplication.
Coding change: c.68242_68243dup on transcript NM_001267550.2 (MANE Select); coding-DNA positions 68242 to 68243, 2 bases duplicated (CC; older notation c.68242_68243dupCC).
Protein change: p.Pro22749fs; shifts the reading frame from proline 22749.
Molecular consequence: frameshift variant.
Genome position (GRCh38, 1-based): chr2:178,578,697-178,578,698, GG duplicated on the plus strand (CC on the coding strand, the reverse complement: TTN is on the minus strand); duplicating any 2 consecutive bases within chr2:178,578,697-178,578,701 gives the same sequence; the c. name uses the placement nearest the transcript's 3' end. VCF-style (leftmost placement, unchanged base first): chr2-178578696-T-TGG. GRCh37 (hg19) VCF-style: chr2-179443423-T-TGG.
Other names: c.63319_63320dupCC (NM_001256850.1); c.63319_63320dup, p.Pro21108fs (NM_001256850.1); c.41047_41048dup, p.Pro13684fs (NM_003319.4); c.60538_60539dup, p.Pro20181fs (NM_133378.4); c.41422_41423dup, p.Pro13809fs (NM_133432.3); c.41623_41624dup, p.Pro13876fs (NM_133437.4); c.68242_68243dup (NM_001267550.1); c.41047_41048dupCC (NM_003319.4); short protein forms P22749fs, P13684fs, P13876fs, P13809fs, P20181fs, P21108fs.
Identifiers: ClinVar variation 426390 (VCV000426390.16), dbSNP rs1085307600, ClinGen allele CA645293794.
Genomic context (GRCh38, chr2:178,578,696, plus strand): 5'-CTTGGGGTCAGTCCAAGTTAGAGATACTGAATCGTGTCTGACATCCACAATATTGGGAGG[T>TGG]GGGGGAGCATCAGGCACATCTAGAAAAAAGTAGATAATGCAAGATTTATAATAAGAAGCC-3'

ClinVar aggregate classification (germline): Likely pathogenic. Review status: criteria provided, multiple submitters, no conflicts (2 of 4 stars). 6 submissions from 6 submitters: Likely pathogenic (6). Last evaluated 2025-07-21.

Conditions:
Autosomal recessive limb-girdle muscular dystrophy type 2J (LGMDR10). Also called: Limb-girdle muscular dystrophy, type 2J; MUSCULAR DYSTROPHY, LIMB-GIRDLE, AUTOSOMAL RECESSIVE 10. Identifiers: Orphanet 140922, MedGen C1837342, MONDO:0012127, OMIM 608807.
Dilated cardiomyopathy 1G (CMD1G). Identifiers: Orphanet 154, MedGen C1858763, MONDO:0011400, OMIM 604145.
TTN-related disorder. Also called: TTN-related disorders; TTN-related condition; TTN-related disease.
Cardiovascular phenotype. Identifiers: MedGen CN230736.

Submissions (6):

Labcorp Genetics (formerly Invitae), Labcorp
Classification: Likely pathogenic for Dilated cardiomyopathy 1G; Autosomal recessive limb-girdle muscular dystrophy type 2J. Last evaluated: 2025-07-21. Review status: criteria provided, single submitter. Criteria: Invitae Variant Classification Sherloc (09022015). Collection method: clinical testing. Allele origin: germline.
Comment: This sequence change creates a premature translational stop signal (p.Pro22749Hisfs*15) in the TTN gene. While this is not anticipated to result in nonsense mediated decay, it is expected to create a truncated TTN protein. This variant is not present in population databases (gnomAD no frequency). This variant has not been reported in the literature in individuals affected with TTN-related conditions. ClinVar contains an entry for this variant (Variation ID: 426390). This variant is located in the A band of TTN (PMID: 25589632). Truncating variants in this region are significantly overrepresented in patients affected with dilated cardiomyopathy (PMID: 25589632). Truncating variants in this region have also been reported in individuals affected with autosomal recessive centronuclear myopathy (PMID: 23975875). In summary, the currently available evidence indicates that the variant is pathogenic, but additional data are needed to prove that conclusively. Therefore, this variant has been classified as Likely Pathogenic.

GeneDx
Classification: Likely pathogenic. Last evaluated: 2024-11-08. Review status: criteria provided, single submitter. Criteria: GeneDx Variant Classification Process June 2021. Collection method: clinical testing. Allele origin: germline. Affected: yes.
Comment: Frameshift variant predicted to result in protein truncation or nonsense mediated decay in a gene for which loss of function is a known mechanism of disease; Located in the A-band region of TTN in which the majority of loss of function variants have been associated with autosomal dominant titinopathies (PMID: 22335739); Not observed at significant frequency in large population cohorts (gnomAD); Has not been previously published as pathogenic or benign to our knowledge; This variant is associated with the following publications: (PMID: 22335739)

Ambry Genetics
Classification: Likely pathogenic for Cardiovascular phenotype. Last evaluated: 2024-08-29. Review status: criteria provided, single submitter. Criteria: Ambry Variant Classification Scheme 2023. Collection method: clinical testing. Allele origin: germline.
Comment: The c.41047_41048dupCC variant, located in coding exon 148 of the TTN gene, results from a duplication of CC at nucleotide position 41047, causing a translational frameshift with a predicted alternate stop codon (p.P13684Hfs*15). This exon is located in the A-band region of the N2-B isoform of the titin protein and is constitutively expressed in TTN transcripts (percent spliced in or PSI 100%). This variant is considered to be rare based on population cohorts in the Genome Aggregation Database (gnomAD). This alteration is expected to result in loss of function by premature protein truncation or nonsense-mediated mRNA decay. While truncating variants in TTN are present in 1-3% of the general population, truncating variants in the A-band are the most common cause of dilated cardiomyopathy (DCM) (Herman DS et al. N. Engl. J. Med., 2012 Feb;366:619-28; Roberts AM et al. Sci Transl Med, 2015 Jan;7:270ra6). TTN truncating variants encoded in constitutive exons (PSI >90%) have been found to be significantly associated with DCM regardless of their position in titin (Schafer S et al. Nat. Genet., 2017 01;49:46-53). Based on the majority of available evidence to date, this variant is likely to be pathogenic.

KardioGenetik, Herz- und Diabeteszentrum NRW
Classification: Likely pathogenic for Dilated cardiomyopathy 1G. Last evaluated: 2024-05-13. Review status: criteria provided, single submitter. Criteria: ACMG Guidelines, 2015. Collection method: clinical testing. Allele origin: unknown. Affected: yes. Observed: 1 variant allele.
Comment: PVS1, PM2

Blueprint Genetics
Classification: Likely pathogenic for TTN-related disorders. Last evaluated: 2024-02-06. Review status: criteria provided, single submitter. Criteria: ACMG Guidelines, 2015. Collection method: clinical testing. Allele origin: germline. Affected: yes. Observed: 2 variant alleles.

Revvity Omics, Revvity
Classification: Likely pathogenic. Last evaluated: 2022-03-11. Review status: criteria provided, single submitter. Criteria: ACMG Guidelines, 2015. Collection method: clinical testing. Allele origin: germline.

Literature cited by the submitters: PubMed 25589632 (cited by Labcorp Genetics (formerly Invitae), Labcorp); PubMed 23975875 (cited by Labcorp Genetics (formerly Invitae), Labcorp).